The following is an entry in ClinVar:

ClinVar aggregate classification (germline): Likely benign (0 of 4 stars; one submission).

Conditions:
PKD1-related disorder. Also called: PKD1-related condition.

Submission:

PreventionGenetics, part of Exact Sciences
Classification: Likely benign for PKD1-related condition. Last evaluated: 2023-03-07. Review status: no assertion criteria provided. Collection method: clinical testing. Allele origin: germline.
Comment: This variant is classified as likely benign based on ACMG/AMP sequence variant interpretation guidelines (Richards et al. 2015 PMID: 25741868, with internal and published modifications).

NM_001009944.3(PKD1):c.1197C>T (p.Ala399=)

Gene: PKD1 (polycystin 1, transient receptor potential channel interacting; minus strand). Cytogenetic location: 16p13.3.
Variant type: single nucleotide variant.
Coding change: c.1197C>T on transcript NM_001009944.3 (MANE Select); coding-DNA position 1197, C replaced by T.
Protein change: p.Ala399=; no amino-acid change (alanine 399 retained).
Molecular consequence: synonymous variant.
Genome position (GRCh38, 1-based): chr16:2,117,795, G>A on the plus strand (C>T on the coding strand, the complement: PKD1 is on the minus strand). VCF-style: chr16-2117795-G-A. GRCh37 (hg19) VCF-style: chr16-2167796-G-A.
Other names: c.1197C>T, p.Ala399= (NM_000296.4).
Identifiers: ClinVar variation 3052880 (VCV003052880.2), dbSNP rs1402003156, ClinGen allele CA493050177.